The following is an entry in ClinVar:

NM_001270508.2(TNFAIP3):c.1201C>T (p.Gln401Ter)

Gene: TNFAIP3 (TNF alpha induced protein 3; plus strand). Cytogenetic location: 6q23.3.
Variant type: single nucleotide variant.
Coding change: c.1201C>T on transcript NM_001270508.2 (MANE Select); coding-DNA position 1201, C replaced by T.
Protein change: p.Gln401Ter; replaces glutamine 401 with a stop codon.
Molecular consequence: nonsense.
Genome position (GRCh38, 1-based): chr6:137,878,646, C>T. VCF-style: chr6-137878646-C-T. GRCh37 (hg19) VCF-style: chr6-138199783-C-T.
Other names: p.Gln401*; c.1201C>T, p.Gln401Ter (NM_001270507.2, NM_006290.4); short protein forms Q401*.
Identifiers: ClinVar variation 3381016 (VCV003381016.1).

ClinVar aggregate classification (germline): Likely pathogenic (1 of 4 stars; one submission).

Submission:

Mayo Clinic Laboratories, Mayo Clinic
Classification: Likely pathogenic. Last evaluated: 2024-01-03. Review status: criteria provided, single submitter. Criteria: ACMG Guidelines, 2015. Collection method: clinical testing. Allele origin: germline. Observed: 1 variant allele.
Comment: PM2, PVS1